The following is an entry in ClinVar:

ClinVar aggregate classification (germline): Uncertain significance (1 of 4 stars; one submission).

Conditions:
Spondylodysplastic Ehlers-Danlos syndrome. Identifiers: Orphanet 536471, Orphanet 75496, MedGen C5680154, MONDO:0007526.

Submission:

Labcorp Genetics (formerly Invitae), Labcorp
Classification: Uncertain significance for Spondylodysplastic Ehlers-Danlos syndrome. Last evaluated: 2021-12-10. Review status: criteria provided, single submitter. Criteria: Invitae Variant Classification Sherloc (09022015). Collection method: clinical testing. Allele origin: germline.
Comment: This variant is not present in population databases (gnomAD no frequency). In summary, the available evidence is currently insufficient to determine the role of this variant in disease. Therefore, it has been classified as a Variant of Uncertain Significance. Algorithms developed to predict the effect of missense changes on protein structure and function (SIFT, PolyPhen-2, Align-GVGD) all suggest that this variant is likely to be tolerated. This variant has not been reported in the literature in individuals affected with B4GALT7-related conditions. This sequence change replaces glutamic acid, which is acidic and polar, with aspartic acid, which is acidic and polar, at codon 86 of the B4GALT7 protein (p.Glu86Asp).

NM_007255.3(B4GALT7):c.258A>T (p.Glu86Asp)

Gene: B4GALT7 (beta-1,4-galactosyltransferase 7; plus strand). Cytogenetic location: 5q35.3.
Variant type: single nucleotide variant.
Coding change: c.258A>T on transcript NM_007255.3 (MANE Select); coding-DNA position 258, A replaced by T.
Protein change: p.Glu86Asp; replaces glutamic acid 86 with aspartic acid.
Molecular consequence: missense variant.
Genome position (GRCh38, 1-based): chr5:177,604,386, A>T. VCF-style: chr5-177604386-A-T. GRCh37 (hg19) VCF-style: chr5-177031387-A-T.
Other names: short protein forms E86D.
Identifiers: ClinVar variation 1469890 (VCV001469890.6), dbSNP rs759226446, ClinGen allele CA362373479.